The following is an entry in ClinVar:

NM_000094.4(COL7A1):c.7984-1G>T

Gene: COL7A1 (collagen type VII alpha 1 chain; minus strand). Cytogenetic location: 3p21.31.
Variant type: single nucleotide variant.
Coding change: c.7984-1G>T on transcript NM_000094.4 (MANE Select); the canonical splice acceptor site of the intron before coding-DNA position 7984, G replaced by T.
Molecular consequence: splice acceptor variant.
Genome position (GRCh38, 1-based): chr3:48,567,637, C>A on the plus strand (G>T on the coding strand, the complement: COL7A1 is on the minus strand). VCF-style: chr3-48567637-C-A. GRCh37 (hg19) VCF-style: chr3-48605070-C-A.
Identifiers: ClinVar variation 2863982 (VCV002863982.3), dbSNP rs2530824751, ClinGen allele CA352641204.

ClinVar aggregate classification (germline): Likely pathogenic (1 of 4 stars; one submission).

Submission:

Labcorp Genetics (formerly Invitae), Labcorp
Classification: Likely pathogenic. Last evaluated: 2023-05-13. Review status: criteria provided, single submitter. Criteria: Invitae Variant Classification Sherloc (09022015). Collection method: clinical testing. Allele origin: germline.
Comment: This sequence change affects an acceptor splice site in intron 107 of the COL7A1 gene. It is expected to disrupt splicing. Variants that disrupt the donor or acceptor splice site typically lead to a loss of protein function (PMID: 16199547), and loss-of-function variants in COL7A1 are known to be disease-causing for autosomal recessive dystrophic epidermolysis bullosa (PMID: 16971478). However, certain variants affecting donor or acceptor splice sites in the triple helical domain of COL7A1 are expected to result in in-frame exon skipping and have been reported to cause autosomal dominant dystrophic epidermolysis bullosa (PMID: 31670143). In summary, the currently available evidence indicates that the variant is pathogenic, but additional data are needed to prove that conclusively. Therefore, this variant has been classified as Likely Pathogenic. Algorithms developed to predict the effect of sequence changes on RNA splicing suggest that this variant may disrupt the consensus splice site. This variant has not been reported in the literature in individuals affected with COL7A1-related conditions. This variant is not present in population databases (gnomAD no frequency).

Literature cited by the submitters: PubMed 16199547; PubMed 16971478; PubMed 31670143.